The following is an entry in ClinVar:

NM_001190274.2(FBXO11):c.1758dup (p.Asn587Ter)

Gene: FBXO11 (F-box protein 11; minus strand). Cytogenetic location: 2p16.3.
Variant type: Duplication.
Coding change: c.1758dup on transcript NM_001190274.2 (MANE Select); coding-DNA position 1758, one base duplicated (T; older notation c.1758dupT).
Protein change: p.Asn587Ter; replaces asparagine 587 with a stop codon.
Molecular consequence: nonsense.
Genome position (GRCh38, 1-based): chr2:47,820,401, A duplicated on the plus strand (T on the coding strand, the reverse complement: FBXO11 is on the minus strand). VCF-style (leftmost placement, unchanged base first): chr2-47820400-T-TA. GRCh37 (hg19) VCF-style: chr2-48047539-T-TA.
Other names: c.1506dup, p.Asn503Ter (NM_001374325.1, NM_025133.4); short protein forms N503*, N587*.
Identifiers: ClinVar variation 3765654 (VCV003765654.1).
Genomic context (GRCh38, chr2:47,820,400, plus strand): 5'-GGAACTATATACATTAACTTACCACATAAATCCCACCATGCTGGCCATCATGAATTTTGT[T>TA]ATGCCGAACAATTGGACAACTGTTTGTCCTAATTTGAATTCCTGCTAATGCATTGCCTAT-3'

ClinVar aggregate classification (germline): Pathogenic (1 of 4 stars; one submission).

Conditions:
Intellectual developmental disorder with dysmorphic facies and behavioral abnormalities. Identifiers: MedGen C4748135, MONDO:0060760, OMIM 618089.

Submission:

Greenwood Genetic Center Diagnostic Laboratories, Greenwood Genetic Center
Classification: Pathogenic for Intellectual developmental disorder with dysmorphic facies and behavioral abnormalities. Last evaluated: 2024-09-19. Review status: criteria provided, single submitter. Criteria: ACMG Guidelines, 2015. Collection method: clinical testing. Allele origin: germline. Affected: yes.
Comment: PVS1, PS2, PM2